The following is an entry in ClinVar:

NM_024312.5(GNPTAB):c.1399del (p.Asp467fs)

Gene: GNPTAB (N-acetylglucosamine-1-phosphate transferase subunits alpha and beta; minus strand). Cytogenetic location: 12q23.2.
Variant type: Deletion.
Coding change: c.1399del on transcript NM_024312.5 (MANE Select); coding-DNA position 1399, one base deleted (G; older notation c.1399delG).
Protein change: p.Asp467fs; shifts the reading frame from aspartic acid 467.
Molecular consequence: frameshift variant.
Genome position (GRCh38, 1-based): chr12:101,768,046, C deleted on the plus strand (G on the coding strand, the reverse complement: GNPTAB is on the minus strand); the first of 4 consecutive C bases (chr12:101,768,046-101,768,049); deleting any one gives the same sequence. VCF-style (leftmost placement, unchanged base first): chr12-101768045-TC-T. GRCh37 (hg19) VCF-style: chr12-102161823-TC-T.
Other names: c.1399del (NM_024312.4); short protein forms D467fs.
Identifiers: ClinVar variation 39034 (VCV000039034.18), dbSNP rs397507448, ClinGen allele CA343349.
Genomic context (GRCh38, chr12:101,768,045, plus strand): 5'-AGAAGAAAATATTCCATAAAAATGAACGAATTACAGTTTAACACATCCTTACCAGAGCAA[TC>T]CCCACCATCCCAATCGCAGGCTGAATTATTACAAGCCTTGTCACAATAGCCATCCTTAAT-3'

ClinVar aggregate classification (germline): Pathogenic. Review status: criteria provided, multiple submitters, no conflicts (2 of 4 stars). 8 submissions from 8 submitters: Pathogenic (6). 2 of the submissions do not count toward it. Last evaluated 2025-12-14.

Conditions:
GNPTAB-Related Disorders. Also called: GNPTAB-related disorder; GNPTAB-related condition. Identifiers: MedGen CN381523.
Mucolipidosis. Also called: Mucolipidoses. Identifiers: Orphanet 79212, MedGen C0026697, MONDO:0019248.
Mucolipidosis type II. Also called: Mucolipidosis 2; ML 2; Inclusion cell disease; Leroy Disease; N-acetylglucosamine 1phosphotransferase deficiency; ML disorder type 2. Identifiers: Orphanet 576, MedGen C2673377, MONDO:0009650, OMIM 252500.
Pseudo-Hurler polydystrophy. Also called: Type III Mucolipidosis; MUCOLIPIDOSIS IIIA; ML IIIA; ML III; ML III ALPHA/BETA; Mucolipidosis III Alpha/Beta. Identifiers: Orphanet 423461, Orphanet 577, MedGen C0033788, MONDO:0018931, OMIM 252600.

Submissions (8):

Labcorp Genetics (formerly Invitae), Labcorp
Classification: Pathogenic for Pseudo-Hurler polydystrophy; Mucolipidosis type II. Last evaluated: 2025-12-14. Review status: criteria provided, single submitter. Criteria: Invitae Variant Classification Sherloc (09022015). Collection method: clinical testing. Allele origin: germline.
Comment: This sequence change creates a premature translational stop signal (p.Asp467Ilefs*33) in the GNPTAB gene. It is expected to result in an absent or disrupted protein product. Loss-of-function variants in GNPTAB are known to be pathogenic (PMID: 19617216, 25107912). This variant is present in population databases (rs397507448, gnomAD 0.004%). This premature translational stop signal has been observed in individuals with mucolipidosis II and III alpha/beta (PMID: 19617216, 19634183, 28396763). ClinVar contains an entry for this variant (Variation ID: 39034). For these reasons, this variant has been classified as Pathogenic.

Natera, Inc.
Classification: Pathogenic for Mucolipidosis type II. Last evaluated: 2025-10-13. Review status: criteria provided, single submitter. Criteria: Natera Variant Classification Schema (03/2026). Collection method: clinical testing. Allele origin: germline.
Comment: The c.1399delG variant in GNPTAB is a frameshift variant predicted to shift the reading frame beginning at codon 467 and leads to a stop codon 33 codons downstream. This variant is expected to result in nonsense mediated decay, truncation, or a dysfunctional protein product. This variant is rare in the general population with a frequency below the threshold expected for the associated phenotype(s). This variant has been observed in one or more individuals affected with the associated recessive disease, as either homozygous or compound heterozygous with a second variant (PMID: 19617216, 28396763). Given the available evidence, this variant is classified as Pathogenic.

Fulgent Genetics
Classification: Pathogenic for Mucolipidosis type II; Pseudo-Hurler polydystrophy. Last evaluated: 2024-02-07. Review status: criteria provided, single submitter. Criteria: ACMG Guidelines, 2015. Collection method: clinical testing. Allele origin: germline.

GeneDx
Classification: Pathogenic. Last evaluated: 2022-09-14. Review status: criteria provided, single submitter. Criteria: GeneDx Variant Classification Process June 2021. Collection method: clinical testing. Allele origin: germline. Affected: yes.
Comment: Frameshift variant predicted to result in protein truncation or nonsense mediated decay in a gene for which loss of function is a known mechanism of disease; Not observed at significant frequency in large population cohorts (gnomAD); This variant is associated with the following publications: (PMID: 20301728, 25107912, 19617216, 19634183, 28396763, 24045841)

Blueprint Genetics
Classification: Pathogenic for GNPTAB-related disorders. Last evaluated: 2021-10-07. Review status: criteria provided, single submitter. Criteria: ACMG Guidelines, 2015. Collection method: clinical testing. Allele origin: germline. Affected: yes. Observed: 3 variant alleles.

Women's Health and Genetics/Laboratory Corporation of America, LabCorp
Classification: Pathogenic for Mucolipidosis. Last evaluated: 2020-09-14. Review status: criteria provided, single submitter. Criteria: LabCorp Variant Classification Summary - May 2015. Collection method: clinical testing. Allele origin: germline.
Comment: Variant summary: GNPTAB c.1399delG (p.Asp467IlefsX33) results in a premature termination codon, predicted to cause a truncation of the encoded protein or absence of the protein due to nonsense mediated decay, which are commonly known mechanisms for disease. Truncations downstream of this position have been classified as pathogenic by our laboratory. The variant allele was found at a frequency of 2e-05 in 251428 control chromosomes (gnomAD). The variant, c.1399delG, has been reported in the literature in compound heterozygosity and in homozygous form, in several individuals affected with Mucolipidosis (e.g. Tappino_2009, Cathey_2010, Wood_2017). These data indicate that the variant is very likely to be associated with disease. To our knowledge, no experimental evidence demonstrating an impact on protein function has been reported. Two ClinVar submitters (evaluation after 2014) cite the variant as pathogenic. Based on the evidence outlined above, the variant was classified as pathogenic.

Counsyl
Classification: Pathogenic for Mucolipidosis type II; Pseudo-Hurler polydystrophy. Last evaluated: 2017-04-25. Review status: no assertion criteria provided. Collection method: clinical testing. Allele origin: unknown. Not counted in ClinVar's aggregate classification.

GeneReviews
No classification provided. Condition: Mucolipidosis type II. Review status: no classification provided. Collection method: literature only. Allele origin: unknown. Not counted in ClinVar's aggregate classification.

Literature cited by the submitters: PubMed 19617216 (cited by 5 submitters); PubMed 25107912 (cited by Labcorp Genetics (formerly Invitae), Labcorp); PubMed 19634183 (cited by 3 submitters); PubMed 28396763 (cited by 4 submitters); PubMed 24045841 (cited by Counsyl); PubMed 20301728 (cited by GeneReviews); NCBI Bookshelf NBK1828 (cited by GeneReviews).